The following is an entry in ClinVar:

ClinVar aggregate classification (germline): Uncertain significance (1 of 4 stars; one submission).

Allele frequency attached by ClinVar (database versions not stated): ExAC 0.00003; gnomAD exomes 0.00001.
gnomAD v4.1: 19 of 1,613,628 alleles (0.0012%); highest among the groups gnomAD compares: Non-Finnish European, 0.0016%; no homozygotes.

Submission:

Labcorp Genetics (formerly Invitae), Labcorp
Classification: Uncertain significance. Last evaluated: 2022-08-23. Review status: criteria provided, single submitter. Criteria: Invitae Variant Classification Sherloc (09022015). Collection method: clinical testing. Allele origin: germline.
Comment: This sequence change replaces aspartic acid, which is acidic and polar, with valine, which is neutral and non-polar, at codon 758 of the OCA2 protein (p.Asp758Val). This variant is present in population databases (rs752888326, gnomAD 0.003%). This variant has not been reported in the literature in individuals affected with OCA2-related conditions. ClinVar contains an entry for this variant (Variation ID: 1413857). Advanced modeling of protein sequence and biophysical properties (such as structural, functional, and spatial information, amino acid conservation, physicochemical variation, residue mobility, and thermodynamic stability) performed at Invitae indicates that this missense variant is expected to disrupt OCA2 protein function. In summary, the available evidence is currently insufficient to determine the role of this variant in disease. Therefore, it has been classified as a Variant of Uncertain Significance.

NM_000275.3(OCA2):c.2273A>T (p.Asp758Val)

Gene: OCA2 (OCA2 melanosomal transmembrane protein; minus strand). Cytogenetic location: 15q13.1.
Variant type: single nucleotide variant.
Coding change: c.2273A>T on transcript NM_000275.3 (MANE Select); coding-DNA position 2273, A replaced by T.
Protein change: p.Asp758Val; replaces aspartic acid 758 with valine.
Molecular consequence: missense variant.
Genome position (GRCh38, 1-based): chr15:27,851,447, T>A on the plus strand (A>T on the coding strand, the complement: OCA2 is on the minus strand). VCF-style: chr15-27851447-T-A. GRCh37 (hg19) VCF-style: chr15-28096593-T-A.
Other names: c.2201A>T, p.Asp734Val (NM_001300984.2); short protein forms D758V, D734V.
Identifiers: ClinVar variation 1413857 (VCV001413857.3), dbSNP rs752888326, ClinGen allele CA7438661.
Genomic context (GRCh38, chr15:27,851,447, plus strand): 5'-AGGCAAGCACCGAAGGCCAGGGCATACATGAGCGGCGGTGCGGGCAGGCCAACCTCAGGG[T>A]CGTGGCTCAGGTTCAGGAGCACGGGAATCTGTGGAGGAAGAGGACATTGATGCCACGTCC-3'
Protein context (NP_000266.2, residues 748-768): MIPVLLNLSH[Asp758Val]PEVGLPAPPL